The following is an entry in ClinVar:

ClinVar aggregate classification (germline): Pathogenic (1 of 4 stars; one submission).

Conditions:
Neurofibromatosis, type 1 (NF1). Also called: VON RECKLINGHAUSEN DISEASE; NEUROFIBROMATOSIS, TYPE I, SOMATIC; Peripheral type neurofibromatosis; Neurofibromatosis, type I. Identifiers: Orphanet 636, MedGen C0027831, MONDO:0018975, OMIM 162200. Disease mechanism: loss of function.

Submission:

MVZ Martinsried, Medicover Genetics
Classification: Pathogenic for Neurofibromatosis, type 1. Last evaluated: 2026-07-30. Review status: criteria provided, single submitter. Criteria: ClinGen Variant Curation SOP V3.2 + Classification Guidance July2025. Collection method: clinical testing. Allele origin: unknown. Affected: yes. Observed: 1 heterozygote.
Comment: PP1_Strong, PS4_Moderate, PS1_Moderate, PP3 (Splicing), PM2_Supporting, PP4

NM_001042492.3(NF1):c.7189+3A>T

Gene: NF1 (neurofibromin 1; plus strand). Cytogenetic location: 17q11.2.
Variant type: single nucleotide variant.
Coding change: c.7189+3A>T on transcript NM_001042492.3 (MANE Select); 3 bases into the intron after coding-DNA position 7189, A replaced by T.
Molecular consequence: intron variant.
Genome position (GRCh38, 1-based): chr17:31,343,138, A>T. VCF-style: chr17-31343138-A-T. GRCh37 (hg19) VCF-style: chr17-29670156-A-T.
Other names: c.7126+3A>T (NM_000267.4).
Identifiers: ClinVar variation 5043469 (VCV005043469.1).